The following is an entry in ClinVar:

NM_021814.5(ELOVL5):c.698A>G (p.Tyr233Cys)

Gene: ELOVL5 (ELOVL fatty acid elongase 5; minus strand). Cytogenetic location: 6p12.1.
Variant type: single nucleotide variant.
Coding change: c.698A>G on transcript NM_021814.5 (MANE Select); coding-DNA position 698, A replaced by G.
Protein change: p.Tyr233Cys; replaces tyrosine 233 with cysteine.
Molecular consequence: missense variant. On other transcripts: synonymous variant (1).
Genome position (GRCh38, 1-based): chr6:53,270,651, T>C on the plus strand (A>G on the coding strand, the complement: ELOVL5 is on the minus strand). VCF-style: chr6-53270651-T-C. GRCh37 (hg19) VCF-style: chr6-53135449-T-C.
Other names: p.Tyr233Cys; c.779A>G, p.Tyr260Cys (NM_001242828.2); c.573A>G, p.Val191= (NM_001242830.2); c.698A>G, p.Tyr233Cys (NM_001301856.2); short protein forms Y233C, Y260C.
Identifiers: ClinVar variation 210935 (VCV000210935.20), dbSNP rs41273880, ClinGen allele CA209264.
Genomic context (GRCh38, chr6:53,270,651, plus strand): 5'-ACCTGAATGTAGAAGTTTGTGAAGAGAGCAATCAGGGAAATCATGTATCCAATCTGGAAA[T>C]ACAACCAACCAAGAGGGAATGTGCACGGCCAGATGACCCCGCAGCTGGTCTGGATGATTG-3'
Protein context (NP_068586.1, residues 223-243): WPCTFPLGWL[Tyr233Cys]FQIGYMISLI

ClinVar aggregate classification (germline): Conflicting classifications of pathogenicity. Review status: criteria provided, conflicting classifications (1 of 4 stars). 6 submissions from 6 submitters: Uncertain significance (1); Likely benign (5). Last evaluated 2026-03-01.

Conditions:
Spinocerebellar ataxia type 38. Identifiers: Orphanet 423296, MedGen C4518337, MONDO:0014417, OMIM 615957.

Allele frequency attached by ClinVar (database versions not stated): ExAC 0.00049; TOPMed 0.00056; 1000 Genomes Project 0.00060; gnomAD exomes 0.00062 and 0.00109; gnomAD 0.00063 and 0.00066; 1000 Genomes Project 30x 0.00078; ESP Exome Variant Server 0.00092.
gnomAD v4.1: 1,668 of 1,614,126 alleles (0.1%); highest among the groups gnomAD compares: Non-Finnish European, 0.13%; 1 homozygote.

Submissions (6):

CeGaT Center for Human Genetics Tuebingen
Classification: Likely benign. Last evaluated: 2026-03-01. Review status: criteria provided, single submitter. Criteria: CeGaT Center For Human Genetics Tuebingen Variant Classification Criteria Version 2. Collection method: clinical testing. Allele origin: germline. Affected: yes. Observed: 2 variant alleles.
Comment: ELOVL5: BP4, BS1

Mayo Clinic Laboratories, Mayo Clinic
Classification: Likely benign. Last evaluated: 2025-06-19. Review status: criteria provided, single submitter. Criteria: ACMG Guidelines, 2015. Collection method: clinical testing. Allele origin: germline. Observed: 2 variant alleles.
Comment: BS1, BS2, BP4

Blueprint Genetics
Classification: Likely benign. Last evaluated: 2024-10-02. Review status: criteria provided, single submitter. Criteria: ACMG Guidelines, 2015. Collection method: clinical testing. Allele origin: germline.

Labcorp Genetics (formerly Invitae), Labcorp
Classification: Likely benign. Last evaluated: 2024-07-03. Review status: criteria provided, single submitter. Criteria: Invitae Variant Classification Sherloc (09022015). Collection method: clinical testing. Allele origin: germline.

Knight Diagnostic Laboratories, Oregon Health and Sciences University
Classification: Likely benign for Spinocerebellar ataxia 38. Last evaluated: 2019-11-18. Review status: criteria provided, single submitter. Criteria: ACMG Guidelines, 2015. Collection method: clinical testing. Allele origin: germline. Observed: 1 variant allele.

Genetic Services Laboratory, University of Chicago
Classification: Uncertain significance. Last evaluated: 2015-04-07. Review status: criteria provided, single submitter. Criteria: ACMG Guidelines, 2015. Collection method: clinical testing. Allele origin: germline.

Literature cited by the submitters: PubMed 32314013 (cited by Mayo Clinic Laboratories, Mayo Clinic).